The following is an entry in ClinVar:

NM_018075.5(ANO10):c.337G>A (p.Asp113Asn)

Gene: ANO10 (anoctamin 10; minus strand). Cytogenetic location: 3p21.33.
Variant type: single nucleotide variant.
Coding change: c.337G>A on transcript NM_018075.5 (MANE Select); coding-DNA position 337, G replaced by A.
Protein change: p.Asp113Asn; replaces aspartic acid 113 with asparagine.
Molecular consequence: missense variant. On other transcripts: intron variant (4).
Genome position (GRCh38, 1-based): chr3:43,600,384, C>T on the plus strand (G>A on the coding strand, the complement: ANO10 is on the minus strand). VCF-style: chr3-43600384-C-T. GRCh37 (hg19) VCF-style: chr3-43641876-C-T.
Other names: c.337G>A, p.Asp113Asn (NM_001204831.3, NM_001204834.3, NM_001346463.2 and 4 more transcripts); c.140-1718G>A (NM_001346469.2, NM_001204832.3, NM_001346466.2); c.139+5330G>A (NM_001204833.3); short protein forms D113N.
Identifiers: ClinVar variation 3369622 (VCV003369622.1).
Genomic context (GRCh38, chr3:43,600,384, plus strand): 5'-TCATCATAAACTTCTTTTTGATAAATGGATTCTAACAGAGACAAAGAACTTAGGGCTTAC[C>T]ATCAAAACCTTTGAAGTTCTGTCTGGTTCTGTATGTGAAGGCTCTCATGGTGTTATCATT-3'
Protein context (NP_060545.3, residues 103-123): RTRQNFKGFD[Asp113Asn]NNDDFLTMAE

ClinVar aggregate classification (germline): Uncertain significance (1 of 4 stars; one submission).

Submission:

GeneDx
Classification: Uncertain significance. Last evaluated: 2024-02-21. Review status: criteria provided, single submitter. Criteria: GeneDx Variant Classification Process June 2021. Collection method: clinical testing. Allele origin: germline. Affected: yes.
Comment: Not observed at significant frequency in large population cohorts (gnomAD); Alters the last nucleotide of the exon and is predicted to destroy the splice donor site but the effect on protein function is unclear; In silico analysis supports that this missense variant does not alter protein structure/function; Has not been previously published as pathogenic or benign to our knowledge